The following is an entry in ClinVar:

ClinVar aggregate classification (germline): Uncertain significance. Review status: criteria provided, multiple submitters, no conflicts (2 of 4 stars). 4 submissions from 3 submitters: Uncertain significance (4). Last evaluated 2025-12-11.

Conditions:
Hereditary spherocytosis type 1. Also called: Spherocytosis type 1; ANK1-Related Spherocytosis. Identifiers: Orphanet 822, MedGen C2674218, MONDO:0008447, OMIM 182900.
Spherocytosis. Identifiers: MedGen C0553720, HP:0004444.

Allele frequency attached by ClinVar (database versions not stated): ESP Exome Variant Server 0.00015; gnomAD 0.00022 and 0.00024; TOPMed 0.00022.
gnomAD v4.1: 564 of 1,603,386 alleles (0.035%); highest among the groups gnomAD compares: Non-Finnish European, 0.045%; no homozygotes.

Submissions (4):

Labcorp Genetics (formerly Invitae), Labcorp
Classification: Uncertain significance. Last evaluated: 2025-12-11. Review status: criteria provided, single submitter. Criteria: Invitae Variant Classification Sherloc (09022015). Collection method: clinical testing. Allele origin: germline.
Comment: This sequence change replaces valine, which is neutral and non-polar, with methionine, which is neutral and non-polar, at codon 905 of the ANK1 protein (p.Val905Met). This variant is present in population databases (rs141069023, gnomAD 0.04%). This variant has not been reported in the literature in individuals affected with ANK1-related conditions. ClinVar contains an entry for this variant (Variation ID: 910879). Invitae Evidence Modeling of protein sequence and biophysical properties (such as structural, functional, and spatial information, amino acid conservation, physicochemical variation, residue mobility, and thermodynamic stability) indicates that this missense variant is expected to disrupt ANK1 protein function with a positive predictive value of 80%. In summary, the available evidence is currently insufficient to determine the role of this variant in disease. Therefore, it has been classified as a Variant of Uncertain Significance.

Mayo Clinic Laboratories, Mayo Clinic
Classification: Uncertain significance. Last evaluated: 2025-07-23. Review status: criteria provided, single submitter. Criteria: ACMG Guidelines, 2015. Collection method: clinical testing. Allele origin: germline. Observed: 2 variant alleles.
Comment: BP4

Illumina Laboratory Services, Illumina
Classification: Uncertain significance for Hereditary spherocytosis type 1. Last evaluated: 2018-01-12. Review status: criteria provided, single submitter. Criteria: ICSL Variant Classification Criteria 13 December 2019. Collection method: clinical testing. Allele origin: germline.

Illumina Laboratory Services, Illumina
Classification: Uncertain significance for Spherocytosis. Last evaluated: 2018-01-12. Review status: criteria provided, single submitter. Criteria: ICSL Variant Classification Criteria 13 December 2019. Collection method: clinical testing. Allele origin: germline.

NM_000037.4(ANK1):c.2713G>A (p.Val905Met)

Gene: ANK1 (ankyrin 1; minus strand). Cytogenetic location: 8p11.21.
Variant type: single nucleotide variant.
Coding change: c.2713G>A on transcript NM_000037.4 (MANE Select); coding-DNA position 2713, G replaced by A.
Protein change: p.Val905Met; replaces valine 905 with methionine.
Molecular consequence: missense variant.
Genome position (GRCh38, 1-based): chr8:41,696,698, C>T on the plus strand (G>A on the coding strand, the complement: ANK1 is on the minus strand). VCF-style: chr8-41696698-C-T. GRCh37 (hg19) VCF-style: chr8-41554216-C-T.
Other names: p.Val905Met; c.2836G>A, p.Val946Met (NM_001142446.2); c.2713G>A, p.Val905Met (NM_020475.3, NM_020476.3, NM_020477.3); short protein forms V905M, V946M.
Identifiers: ClinVar variation 910879 (VCV000910879.7), dbSNP rs141069023, ClinGen allele CA4728127.